The following is an entry in ClinVar:

NM_152564.5(VPS13B):c.8671A>G (p.Ile2891Val)

Gene: VPS13B (vacuolar protein sorting 13 homolog B; plus strand). Cytogenetic location: 8q22.2.
Variant type: single nucleotide variant.
Coding change: c.8671A>G on transcript NM_152564.5 (MANE Select); coding-DNA position 8671, A replaced by G.
Protein change: p.Ile2891Val; replaces isoleucine 2891 with valine.
Molecular consequence: missense variant.
Genome position (GRCh38, 1-based): chr8:99,819,461, A>G. VCF-style: chr8-99819461-A-G. GRCh37 (hg19) VCF-style: chr8-100831689-A-G.
Other names: c.8746A>G, p.Ile2916Val (NM_017890.5); short protein forms I2916V, I2891V.
Identifiers: ClinVar variation 846680 (VCV000846680.8), dbSNP rs1814238254, ClinGen allele CA371776205.

ClinVar aggregate classification (germline): Uncertain significance (1 of 4 stars; one submission).

Conditions:
Cohen syndrome (COH1). Also called: PEPPER SYNDROME; Cutis verticis gyrata, retinitis pigmentosa, and sensorineural deafness. Identifiers: Orphanet 193, MedGen C0265223, MONDO:0008999, OMIM 216550.

Submission:

Labcorp Genetics (formerly Invitae), Labcorp
Classification: Uncertain significance for Cohen syndrome. Last evaluated: 2019-11-18. Review status: criteria provided, single submitter. Criteria: Invitae Variant Classification Sherloc (09022015). Collection method: clinical testing. Allele origin: germline.
Comment: This sequence change replaces isoleucine with valine at codon 2916 of the VPS13B protein (p.Ile2916Val). The isoleucine residue is moderately conserved and there is a small physicochemical difference between isoleucine and valine. This variant is not present in population databases (ExAC no frequency). This variant has not been reported in the literature in individuals with VPS13B-related conditions. Algorithms developed to predict the effect of missense changes on protein structure and function output the following: SIFT: "Tolerated"; PolyPhen-2: "Benign"; Align-GVGD: "Class C0". The valine amino acid residue is found in multiple mammalian species, suggesting that this missense change does not adversely affect protein function. These predictions have not been confirmed by published functional studies and their clinical significance is uncertain. In summary, the available evidence is currently insufficient to determine the role of this variant in disease. Therefore, it has been classified as a Variant of Uncertain Significance.